The following is an entry in ClinVar:

ClinVar aggregate classification (germline): Uncertain significance (1 of 4 stars; one submission).

Conditions:
Inborn genetic diseases. Identifiers: MedGen C0950123, MeSH D030342.

Submission:

Ambry Genetics
Classification: Uncertain significance for Inborn genetic diseases. Last evaluated: 2024-10-04. Review status: criteria provided, single submitter. Criteria: Ambry Variant Classification Scheme 2023. Collection method: clinical testing. Allele origin: germline.
Comment: The p.Y35C variant (also known as c.104A>G), located in coding exon 1 of the ANKRD26 gene, results from an A to G substitution at nucleotide position 104. The tyrosine at codon 35 is replaced by cysteine, an amino acid with highly dissimilar properties. This amino acid position is conserved. In addition, this alteration is predicted to be tolerated by in silico analysis. Based on the available evidence, the clinical significance of this variant remains unclear.

NM_014915.3(ANKRD26):c.104A>G (p.Tyr35Cys)

Genes: ANKRD26 (ankyrin repeat domain containing 26; minus strand), LOC130003554 (ATAC-STARR-seq lymphoblastoid silent region 2243; plus strand). Cytogenetic location: 10p12.1.
Variant type: single nucleotide variant.
Coding change: c.104A>G on transcript NM_014915.3 (MANE Select); coding-DNA position 104, A replaced by G.
Protein change: p.Tyr35Cys; replaces tyrosine 35 with cysteine.
Molecular consequence: missense variant.
Genome position (GRCh38, 1-based): chr10:27,100,223, T>C on the plus strand (A>G on the coding strand, the complement: ANKRD26 is on the minus strand). VCF-style: chr10-27100223-T-C. GRCh37 (hg19) VCF-style: chr10-27389152-T-C.
Other names: c.104A>G, p.Tyr35Cys (NM_001256053.2); short protein forms Y35C.
Identifiers: ClinVar variation 3396525 (VCV003396525.1).
Genomic context (GRCh38, chr10:27,100,223, plus strand): 5'-CTGGCAGCTTTGTGGATCTTGCCGAGATCTCGGTCTCGGACGTGGTAGCCGGGCTGCGAG[T>C]AGGCGCCCTCCCCCGGCTCGCCCCCGCCTCCCGCGCTGCTCCTCTGCCGCCGCGCGAAGG-3'
Protein context (NP_055730.2, residues 25-45): GGGGEPGEGA[Tyr35Cys]SQPGYHVRDR